The following is an entry in ClinVar:

NM_001042492.3(NF1):c.2903T>G (p.Met968Arg)

Gene: NF1 (neurofibromin 1; plus strand). Cytogenetic location: 17q11.2.
Variant type: single nucleotide variant.
Coding change: c.2903T>G on transcript NM_001042492.3 (MANE Select); coding-DNA position 2903, T replaced by G.
Protein change: p.Met968Arg; replaces methionine 968 with arginine.
Molecular consequence: missense variant.
Genome position (GRCh38, 1-based): chr17:31,229,887, T>G. VCF-style: chr17-31229887-T-G. GRCh37 (hg19) VCF-style: chr17-29556905-T-G.
Other names: c.2903T>G, p.Met968Arg (NM_000267.4); short protein forms M968R.
Identifiers: ClinVar variation 68329 (VCV000068329.9), dbSNP rs199474749, ClinGen allele CA219498.

ClinVar aggregate classification (germline): Pathogenic/Likely pathogenic. Review status: criteria provided, multiple submitters, no conflicts (2 of 4 stars). 6 submissions from 6 submitters: Pathogenic (1); Likely pathogenic (4). 1 of the submissions does not count toward it. Last evaluated 2026-05-18.

Conditions:
NF1-related disorder. Also called: NF1-related condition. Identifiers: MedGen CN379171.
Cardiovascular phenotype. Identifiers: MedGen CN230736.
Hereditary cancer-predisposing syndrome. Also called: Neoplastic Syndromes, Hereditary; Tumor predisposition; Hereditary Cancer Syndrome; Hereditary neoplastic syndrome. Identifiers: Orphanet 140162, MedGen C0027672, MeSH D009386, MONDO:0015356.
Neurofibromatosis, type 1 (NF1). Also called: Peripheral type neurofibromatosis; Neurofibromatosis, type I; VON RECKLINGHAUSEN DISEASE; NEUROFIBROMATOSIS, TYPE I, SOMATIC. Identifiers: Orphanet 636, MedGen C0027831, MONDO:0018975, OMIM 162200. Disease mechanism: loss of function.

Submissions (6):

Greenwood Genetic Center Diagnostic Laboratories, Greenwood Genetic Center
Classification: Likely pathogenic for NF1-related disorder. Last evaluated: 2026-05-18. Review status: criteria provided, single submitter. Criteria: ACMG Guidelines, 2015. Collection method: clinical testing. Allele origin: germline. Affected: yes.
Comment: PS4_Moderate, PM2, PP2, PP3

GeneDx
Classification: Likely pathogenic. Last evaluated: 2025-12-18. Review status: criteria provided, single submitter. Criteria: GeneDx Variant Classification Process June 2021. Collection method: clinical testing. Allele origin: germline.
Comment: Not observed at significant frequency in large population cohorts (gnomAD); In silico analysis supports that this missense variant has a deleterious effect on protein structure/function; This variant is associated with the following publications: (PMID: 24803665, 30877234, 12552569, 15146469, 37280783, 25486365, 2121369)

Ambry Genetics
Classification: Pathogenic for Cardiovascular phenotype; Hereditary cancer-predisposing syndrome. Last evaluated: 2025-03-26. Review status: criteria provided, single submitter. Criteria: Ambry Variant Classification Scheme 2023. Collection method: clinical testing. Allele origin: germline.
Comment: The p.M968R pathogenic mutation (also known as c.2903T>G), located in coding exon 22 of the NF1 gene, results from a T to G substitution at nucleotide position 2903. The methionine at codon 968 is replaced by arginine, an amino acid with similar properties. This variant was reported in individual(s) with features consistent with Neurofibromatosis type 1 (NF1) (De Luca A et al. Hum Mutat, 2003 Feb;21:171-2; Demir G&uuml;ndoan B et al. Turk J Med Sci, 2021 Aug; Kocabey M et al. Int J Dev Neurosci, 2023 Aug;83:456-465; Ambry internal data). This variant is considered to be rare based on population cohorts in the Genome Aggregation Database (gnomAD). This missense alteration is located in a region that has a low rate of benign missense variation (Lek M et al. Nature. 2016 Aug 18;536(7616):285-91; DECIPHER: Database of Chromosomal Imbalance and Phenotype in Humans using Ensembl Resources. Firth H.V. et al. 2009. Am.J.Hum.Genet. 84, 524-533 (DOI)). This amino acid position is highly conserved in available vertebrate species. In addition, this alteration is predicted to be deleterious by in silico analysis. Based on the supporting evidence, this variant is interpreted as a disease-causing mutation.

Labcorp Genetics (formerly Invitae), Labcorp
Classification: Likely pathogenic for Neurofibromatosis, type 1. Last evaluated: 2024-02-15. Review status: criteria provided, single submitter. Criteria: Invitae Variant Classification Sherloc (09022015). Collection method: clinical testing. Allele origin: germline.
Comment: This sequence change replaces methionine, which is neutral and non-polar, with arginine, which is basic and polar, at codon 968 of the NF1 protein (p.Met968Arg). This variant is not present in population databases (gnomAD no frequency). This missense change has been observed in individual(s) with neurofibromatosis type I (PMID: 12552569, 30877234). ClinVar contains an entry for this variant (Variation ID: 68329). Advanced modeling of protein sequence and biophysical properties (such as structural, functional, and spatial information, amino acid conservation, physicochemical variation, residue mobility, and thermodynamic stability) performed at Invitae indicates that this missense variant is expected to disrupt NF1 protein function with a positive predictive value of 95%. In summary, the currently available evidence indicates that the variant is pathogenic, but additional data are needed to prove that conclusively. Therefore, this variant has been classified as Likely Pathogenic.

PreventionGenetics, part of Exact Sciences
Classification: Likely pathogenic for NF1-related condition. Last evaluated: 2022-09-16. Review status: criteria provided, single submitter. Criteria: ACMG Guidelines, 2015. Collection method: clinical testing. Allele origin: germline.
Comment: The NF1 c.2903T>G variant is predicted to result in the amino acid substitution p.Met968Arg. This variant has been reported in individuals with neurofibromatosis type 1 (De Luca et al. 2003. PubMed ID: 12552569; Ben Aim et al. 2019. PubMed ID: 30877234). This variant has not been reported in a large population database, indicating this variant is rare. In ClinVar, this variant has been interpreted as likely pathogenic. This variant is interpreted as likely pathogenic.

UniProtKB/Swiss-Prot
No classification provided. Review status: no classification provided. Collection method: not provided. Allele origin: not provided. Not counted in ClinVar's aggregate classification.

Literature cited by the submitters: PubMed 12552569 (cited by Ambry Genetics and Labcorp Genetics (formerly Invitae), Labcorp); PubMed 34392670 (cited by Ambry Genetics); PubMed 37280783 (cited by Ambry Genetics); PubMed 30877234 (cited by Labcorp Genetics (formerly Invitae), Labcorp).